The following is an entry in ClinVar:

ClinVar aggregate classification (germline): Uncertain significance (1 of 4 stars; one submission).

gnomAD v4.1: 1 of 1,614,178 alleles (0.000062%); highest among the groups gnomAD compares: Non-Finnish European, 0.000085%; no homozygotes.

Submission:

Ambry Genetics
Classification: Uncertain significance. Last evaluated: 2026-08-02. Review status: criteria provided, single submitter. Criteria: Ambry Variant Classification Scheme 2023. Collection method: clinical testing. Allele origin: germline.
Comment: The p.Q239R variant (also known as c.716A>G), located in coding exon 1 of the EGLN1 gene, results from an A to G substitution at nucleotide position 716. The glutamine at codon 239 is replaced by arginine, an amino acid with highly similar properties. This amino acid position is conserved. In addition, this alteration is predicted to be tolerated by in silico analysis. Based on the available evidence, the clinical significance of this variant remains unclear.

NM_022051.3(EGLN1):c.716A>G (p.Gln239Arg)

Gene: EGLN1 (egl-9 family hypoxia inducible factor 1; minus strand). Cytogenetic location: 1q42.2.
Variant type: single nucleotide variant.
Coding change: c.716A>G on transcript NM_022051.3 (MANE Select); coding-DNA position 716, A replaced by G.
Protein change: p.Gln239Arg; replaces glutamine 239 with arginine.
Molecular consequence: missense variant.
Genome position (GRCh38, 1-based): chr1:231,421,173, T>C on the plus strand (A>G on the coding strand, the complement: EGLN1 is on the minus strand). VCF-style: chr1-231421173-T-C. GRCh37 (hg19) VCF-style: chr1-231556919-T-C.
Other names: c.716A>G, p.Gln239Arg (NM_001377260.1, NM_001377261.1); short protein forms Q239R.
Identifiers: ClinVar variation 5035857 (VCV005035857.1).